The following is an entry in ClinVar:

ClinVar aggregate classification (germline): Benign (1 of 4 stars; one submission).

Allele frequency attached by ClinVar (database versions not stated): 1000 Genomes Project 0.15835; TOPMed 0.23052; gnomAD 0.24137 and 0.24303.
gnomAD v4.1: 291,859 of 924,836 alleles (32%); highest among the groups gnomAD compares: Non-Finnish European, 38%; 51,938 homozygotes.

Submission:

GeneDx
Classification: Benign. Last evaluated: 2018-06-16. Review status: criteria provided, single submitter. Criteria: GeneDx Variant Classification (06012015). Collection method: clinical testing. Allele origin: germline. Affected: yes.
Comment: This variant is considered likely benign or benign based on one or more of the following criteria: it is a conservative change, it occurs at a poorly conserved position in the protein, it is predicted to be benign by multiple in silico algorithms, and/or has population frequency not consistent with disease.

NM_015346.4(ZFYVE26):c.1640-277G>T

Gene: ZFYVE26 (zinc finger FYVE-type containing 26; minus strand). Cytogenetic location: 14q24.1.
Variant type: single nucleotide variant.
Coding change: c.1640-277G>T on transcript NM_015346.4 (MANE Select); 277 bases into the intron before coding-DNA position 1640, G replaced by T.
Molecular consequence: intron variant.
Genome position (GRCh38, 1-based): chr14:67,798,899, C>A on the plus strand (G>T on the coding strand, the complement: ZFYVE26 is on the minus strand). VCF-style: chr14-67798899-C-A. GRCh37 (hg19) VCF-style: chr14-68265616-C-A.
Identifiers: ClinVar variation 667590 (VCV000667590.1), dbSNP rs7159982, ClinGen allele CA13941495.